The following is an entry in ClinVar:

ClinVar aggregate classification (germline): Likely pathogenic (1 of 4 stars; one submission).

Conditions:
Cholestanol storage disease (CTX). Also called: CTX: Cerebrotendinous xanthomatosis; Cerebrotendinous Xanthomatosis; CEREBRAL CHOLESTERINOSIS. Identifiers: Orphanet 909, MedGen C0238052, MONDO:0008948, OMIM 213700.

Submission:

Labcorp Genetics (formerly Invitae), Labcorp
Classification: Likely pathogenic for Cholestanol storage disease. Last evaluated: 2022-06-25. Review status: criteria provided, single submitter. Criteria: Invitae Variant Classification Sherloc (09022015). Collection method: clinical testing. Allele origin: germline.
Comment: This variant is not present in population databases (gnomAD no frequency). This variant has not been reported in the literature in individuals affected with CYP27A1-related conditions. Advanced modeling of protein sequence and biophysical properties (such as structural, functional, and spatial information, amino acid conservation, physicochemical variation, residue mobility, and thermodynamic stability) performed at Invitae indicates that this missense variant is expected to disrupt CYP27A1 protein function. This variant disrupts the p.Arg137 amino acid residue in CYP27A1. Other variant(s) that disrupt this residue have been determined to be pathogenic (PMID: 8006521, 17697869, 20558929, 28623566, 29269672). This suggests that this residue is clinically significant, and that variants that disrupt this residue are likely to be disease-causing. In summary, the currently available evidence indicates that the variant is pathogenic, but additional data are needed to prove that conclusively. Therefore, this variant has been classified as Likely Pathogenic. This sequence change replaces arginine, which is basic and polar, with proline, which is neutral and non-polar, at codon 137 of the CYP27A1 protein (p.Arg137Pro).

Literature cited by the submitters: PubMed 8006521; PubMed 17697869; PubMed 20558929; PubMed 28623566; PubMed 29269672.

NM_000784.4(CYP27A1):c.410G>C (p.Arg137Pro)

Gene: CYP27A1 (cytochrome P450 family 27 subfamily A member 1; plus strand). Cytogenetic location: 2q35.
Variant type: single nucleotide variant.
Coding change: c.410G>C on transcript NM_000784.4 (MANE Select); coding-DNA position 410, G replaced by C.
Protein change: p.Arg137Pro; replaces arginine 137 with proline.
Molecular consequence: missense variant.
Genome position (GRCh38, 1-based): chr2:218,809,731, G>C. VCF-style: chr2-218809731-G-C. GRCh37 (hg19) VCF-style: chr2-219674454-G-C.
Other names: short protein forms R137P.
Identifiers: ClinVar variation 2010465 (VCV002010465.4), dbSNP rs587778818, ClinGen allele CA350583952.
Genomic context (GRCh38, chr2:218,809,731, plus strand): 5'-TGATGCGGCAAGAGGGCAAGTACCCAGTACGGAACGACATGGAGCTATGGAAGGAGCACC[G>C]GGACCAGCACGACCTGACCTATGGGCCGTTCACCACGTGAGCTGGGGCCTGAAGGGACTG-3'
Protein context (NP_000775.1, residues 127-147): RNDMELWKEH[Arg137Pro]DQHDLTYGPF